The following is an entry in ClinVar:

NM_001256627.2(BRSK2):c.2099dup (p.Leu701fs)

Gene: BRSK2 (BR serine/threonine kinase 2; plus strand). Cytogenetic location: 11p15.5.
Variant type: Duplication.
Coding change: c.2099dup on transcript NM_001256627.2 (MANE Select); coding-DNA position 2099, one base duplicated (C; older notation c.2099dupC).
Protein change: p.Leu701fs; shifts the reading frame from leucine 701.
Molecular consequence: frameshift variant. On other transcripts: intron variant (14).
Genome position (GRCh38, 1-based): chr11:1,460,611, C duplicated; the last of 3 consecutive C bases (chr11:1,460,609-1,460,611); duplicating any one gives the same sequence. VCF-style (leftmost placement, unchanged base first): chr11-1460608-G-GC. GRCh37 (hg19) VCF-style: chr11-1481838-G-GC.
Other names: c.2189dup, p.Leu731fs (NM_001256630.1); c.1919dup, p.Leu641fs (NM_001440669.1); c.2420-359dup (NM_001440665.1); c.2054-359dup (NM_001440668.1); c.2006-359dup (NM_001440670.1); c.2354-359dup (NM_001440666.1); c.*10-359dup (NM_001256629.2, NM_001282218.2); c.1988-359dup (NM_003957.4); and 5 more; short protein forms L641fs, L701fs, L731fs.
Identifiers: ClinVar variation 4976095 (VCV004976095.1).

ClinVar aggregate classification (germline): Uncertain significance (1 of 4 stars; one submission).

Submission:

GeneDx
Classification: Uncertain significance. Last evaluated: 2026-02-04. Review status: criteria provided, single submitter. Criteria: GeneDx Variant Classification Process June 2021. Collection method: clinical testing. Allele origin: germline.
Comment: Frameshift variant predicted to result in abnormal protein length as the last 36 amino acid(s) are replaced with 2 different amino acid(s); Not observed at significant frequency in large population cohorts (gnomAD); Has not been previously published as pathogenic or benign to our knowledge